The following is an entry in ClinVar:

NM_000384.3(APOB):c.12917T>C (p.Ile4306Thr)

Gene: APOB (apolipoprotein B; minus strand). Cytogenetic location: 2p24.1.
Variant type: single nucleotide variant.
Coding change: c.12917T>C on transcript NM_000384.3 (MANE Select); coding-DNA position 12917, T replaced by C.
Protein change: p.Ile4306Thr; replaces isoleucine 4306 with threonine.
Molecular consequence: missense variant.
Genome position (GRCh38, 1-based): chr2:21,002,505, A>G on the plus strand (T>C on the coding strand, the complement: APOB is on the minus strand). VCF-style: chr2-21002505-A-G. GRCh37 (hg19) VCF-style: chr2-21225377-A-G.
Other names: short protein forms I4306T.
Identifiers: ClinVar variation 927748 (VCV000927748.6), dbSNP rs1663012757, ClinGen allele CA345970205.
Genomic context (GRCh38, chr2:21,002,505, plus strand): 5'-ATAAGATAAGTAAATTTCATCTCTTTCAGCTGTTTAATGTTATCTTCTATTAGTTGGAAA[A>G]TGAATTGTAAAAGGTCCTGAAGATTACGTAGCACCTCTGTGGTCTTGAGAGACTGAATGG-3'
Protein context (NP_000375.3, residues 4296-4316): LRNLQDLLQF[Ile4306Thr]FQLIEDNIKQ

ClinVar aggregate classification (germline): Uncertain significance. Review status: criteria provided, multiple submitters, no conflicts (2 of 4 stars). 2 submissions from 2 submitters: Uncertain significance (2). Last evaluated 2026-06-24.

Conditions:
Cardiovascular phenotype. Identifiers: MedGen CN230736.
Familial hypercholesterolemia. Also called: Familial hypercholesterolemias; Familial hypercholesterolaemia. Identifiers: MedGen C0020445, MONDO:0005439.

Allele frequency attached by ClinVar (database versions not stated): gnomAD exomes 0.00001.
gnomAD v4.1: 12 of 1,613,090 alleles (0.00074%); highest among the groups gnomAD compares: Non-Finnish European, 0.00093%; no homozygotes.

Submissions (2):

Cambridge Genomics Laboratory, East Genomic Laboratory Hub, NHS Genomic Medicine Service
Classification: Uncertain significance for Familial hypercholesterolaemia. Last evaluated: 2026-06-24. Review status: criteria provided, single submitter. Criteria: ACGS Best Practice Guidelines for Variant Classification in Rare Disease 2020. Collection method: clinical testing. Allele origin: germline. Affected: yes.
Comment: PM1,PM2_Supporting

Ambry Genetics
Classification: Uncertain significance for Cardiovascular phenotype. Last evaluated: 2023-05-12. Review status: criteria provided, single submitter. Criteria: Ambry Variant Classification Scheme 2023. Collection method: clinical testing. Allele origin: germline.
Comment: The p.I4306T variant (also known as c.12917T>C), located in coding exon 29 of the APOB gene, results from a T to C substitution at nucleotide position 12917. The isoleucine at codon 4306 is replaced by threonine, an amino acid with similar properties. This amino acid position is conserved. In addition, this alteration is predicted to be tolerated by in silico analysis. Since supporting evidence is limited at this time, the clinical significance of this alteration remains unclear.